The following is an entry in ClinVar:

NM_000070.3(CAPN3):c.169A>G (p.Lys57Glu)

Gene: CAPN3 (calpain 3; plus strand). Cytogenetic location: 15q15.1.
Variant type: single nucleotide variant.
Coding change: c.169A>G on transcript NM_000070.3 (MANE Select); coding-DNA position 169, A replaced by G.
Protein change: p.Lys57Glu; replaces lysine 57 with glutamic acid.
Molecular consequence: missense variant.
Genome position (GRCh38, 1-based): chr15:42,359,974, A>G. VCF-style: chr15-42359974-A-G. GRCh37 (hg19) VCF-style: chr15-42652172-A-G.
Other names: c.169A>G, p.Lys57Glu (NM_024344.2, NM_173087.2); c.169A>G (NM_000070.2); short protein forms K57E.
Identifiers: ClinVar variation 2439743 (VCV002439743.6), dbSNP rs778667728, ClinGen allele CA7510868.

ClinVar aggregate classification (germline): Uncertain significance. Review status: criteria provided, multiple submitters, no conflicts (2 of 4 stars). 3 submissions from 3 submitters: Uncertain significance (3). Last evaluated 2025-01-07.

Conditions:
Autosomal recessive limb-girdle muscular dystrophy type 2A (LGMDR1). Also called: MUSCULAR DYSTROPHY, PELVOFEMORAL; Limb-girdle muscular dystrophy, type 2A; Calpainopathy; LEYDEN-MOEBIUS MUSCULAR DYSTROPHY; Muscular dystrophy, limb-girdle, type 2A, Amish. Identifiers: Orphanet 267, MedGen C1869123, MONDO:0009675, OMIM 253600. Disease mechanism: loss of function.
Inborn genetic diseases. Identifiers: MedGen C0950123, MeSH D030342.

Allele frequency attached by ClinVar (database versions not stated): TOPMed below 0.00001; ExAC 0.00002.
gnomAD v4.1: 4 of 1,614,224 alleles (0.00025%); highest among the groups gnomAD compares: Admixed American, 0.005%; no homozygotes.

Submissions (3):

Revvity Omics, Revvity
Classification: Uncertain significance. Last evaluated: 2025-01-07. Review status: criteria provided, single submitter. Criteria: ACMG Guidelines, 2015. Collection method: clinical testing. Allele origin: germline.

Labcorp Genetics (formerly Invitae), Labcorp
Classification: Uncertain significance for Autosomal recessive limb-girdle muscular dystrophy type 2A. Last evaluated: 2024-02-15. Review status: criteria provided, single submitter. Criteria: Invitae Variant Classification Sherloc (09022015). Collection method: clinical testing. Allele origin: germline.
Comment: This sequence change replaces lysine, which is basic and polar, with glutamic acid, which is acidic and polar, at codon 57 of the CAPN3 protein (p.Lys57Glu). This variant is present in population databases (rs778667728, gnomAD 0.006%). This variant has not been reported in the literature in individuals affected with CAPN3-related conditions. ClinVar contains an entry for this variant (Variation ID: 2439743). Advanced modeling of protein sequence and biophysical properties (such as structural, functional, and spatial information, amino acid conservation, physicochemical variation, residue mobility, and thermodynamic stability) has been performed at Invitae for this missense variant, however the output from this modeling did not meet the statistical confidence thresholds required to predict the impact of this variant on CAPN3 protein function. In summary, the available evidence is currently insufficient to determine the role of this variant in disease. Therefore, it has been classified as a Variant of Uncertain Significance.

Ambry Genetics
Classification: Uncertain significance for Inborn genetic diseases. Last evaluated: 2024-02-05. Review status: criteria provided, single submitter. Criteria: Ambry Variant Classification Scheme 2023. Collection method: clinical testing. Allele origin: germline.